The following is an entry in ClinVar:

NM_003680.4(YARS1):c.778G>T (p.Val260Phe)

Genes: YARS1 (tyrosyl-tRNA synthetase 1; minus strand), LOC126805688 (BRD4-independent group 4 enhancer GRCh37_chr1:33251929-33253128; plus strand). Cytogenetic location: 1p35.1.
Variant type: single nucleotide variant.
Coding change: c.778G>T on transcript NM_003680.4 (MANE Select); coding-DNA position 778, G replaced by T.
Protein change: p.Val260Phe; replaces valine 260 with phenylalanine.
Molecular consequence: missense variant.
Genome position (GRCh38, 1-based): chr1:32,786,982, C>A on the plus strand (G>T on the coding strand, the complement: YARS1 is on the minus strand). VCF-style: chr1-32786982-C-A. GRCh37 (hg19) VCF-style: chr1-33252583-C-A.
Other names: short protein forms V260F.
Identifiers: ClinVar variation 4527539 (VCV004527539.1).
Genomic context (GRCh38, chr1:32,786,982, plus strand): 5'-GAAAACAGAGAGTGTTACCGGACTTAAGGGGAAAAAGGACATGCTTGATGAAGGACAGAA[C>A]CCCATTGTTCTCCACATTTCCTGGCTCACAGAAGGCCTTCTTCAGTTTTTTCTTCACATC-3'
Protein context (NP_003671.1, residues 250-270): CEPGNVENNG[Val260Phe]LSFIKHVLFP

ClinVar aggregate classification (germline): Uncertain significance (1 of 4 stars; one submission).

Submission:

GeneDx
Classification: Uncertain significance. Last evaluated: 2025-04-24. Review status: criteria provided, single submitter. Criteria: GeneDx Variant Classification Process June 2021. Collection method: clinical testing. Allele origin: germline. Affected: yes.
Comment: Not observed at significant frequency in large population cohorts (gnomAD); In silico analysis supports that this missense variant has a deleterious effect on protein structure/function; Has not been previously published as pathogenic or benign to our knowledge; This variant is associated with the following publications: (PMID: 16429158)